The following is an entry in ClinVar:

NM_000435.3(NOTCH3):c.1391C>G (p.Thr464Ser)

Gene: NOTCH3 (notch receptor 3; minus strand). Cytogenetic location: 19p13.12.
Variant type: single nucleotide variant.
Coding change: c.1391C>G on transcript NM_000435.3 (MANE Select); coding-DNA position 1391, C replaced by G.
Protein change: p.Thr464Ser; replaces threonine 464 with serine.
Molecular consequence: missense variant.
Genome position (GRCh38, 1-based): chr19:15,188,336, G>C on the plus strand (C>G on the coding strand, the complement: NOTCH3 is on the minus strand). VCF-style: chr19-15188336-G-C. GRCh37 (hg19) VCF-style: chr19-15299147-G-C.
Other names: p.Thr464Ser; short protein forms T464S.
Identifiers: ClinVar variation 4542326 (VCV004542326.1).
Genomic context (GRCh38, chr19:15,188,336, plus strand): 5'-CAGACCCCACCGTTGACACAGGGGCTACTCTGACACTCGTCAATGTCCACCTCGCAATAG[G>C]TTCCTGTGAAGCCTGGGGCAGGGAATAGGGCTTAGGAAAGCGGGGGCTACCCTATGGTGT-3'
Protein context (NP_000426.2, residues 454-474): TCICMAGFTG[Thr464Ser]YCEVDIDECQ

ClinVar aggregate classification (germline): Uncertain significance (1 of 4 stars; one submission).

Submission:

Mayo Clinic Laboratories, Mayo Clinic
Classification: Uncertain significance. Last evaluated: 2025-05-15. Review status: criteria provided, single submitter. Criteria: ACMG Guidelines, 2015. Collection method: clinical testing. Allele origin: germline. Observed: 2 variant alleles.
Comment: BP1